The following is an entry in ClinVar:

NM_001458.5(FLNC):c.7862G>C (p.Arg2621Pro)

Genes: FLNC (filamin C; plus strand), FLNC-AS1 (FLNC antisense RNA 1; minus strand). Cytogenetic location: 7q32.1.
Variant type: single nucleotide variant.
Coding change: c.7862G>C on transcript NM_001458.5 (MANE Select); coding-DNA position 7862, G replaced by C.
Protein change: p.Arg2621Pro; replaces arginine 2621 with proline.
Molecular consequence: missense variant.
Genome position (GRCh38, 1-based): chr7:128,858,089, G>C. VCF-style: chr7-128858089-G-C. GRCh37 (hg19) VCF-style: chr7-128498143-G-C.
Other names: c.7763G>C, p.Arg2588Pro (NM_001127487.2); short protein forms R2588P, R2621P.
Identifiers: ClinVar variation 3630028 (VCV003630028.3).

ClinVar aggregate classification (germline): Uncertain significance. Review status: criteria provided, multiple submitters, no conflicts (2 of 4 stars). 3 submissions from 3 submitters: Uncertain significance (3). Last evaluated 2025-08-31.

Conditions:
Distal myopathy with posterior leg and anterior hand involvement. Also called: WILLIAMS DISTAL MYOPATHY. Identifiers: Orphanet 63273, MedGen C3279722, MONDO:0013550, OMIM 614065.
Myofibrillar myopathy 5. Also called: Filaminopathy (type); FILAMINOPATHY, AUTOSOMAL DOMINANT. Identifiers: Orphanet 171445, MedGen C1836050, MONDO:0012289, OMIM 609524.
Hypertrophic cardiomyopathy 26. Also called: Cardiomyopathy, familial hypertrophic, 26. Identifiers: Orphanet 75249, MedGen C4310749, MONDO:0014883, OMIM 617047.
Dilated Cardiomyopathy, Dominant.
Cardiovascular phenotype. Identifiers: MedGen CN230736.

gnomAD v4.1: 2 of 1,613,256 alleles (0.00012%); highest among the groups gnomAD compares: Non-Finnish European, 0.00017%; no homozygotes.

Submissions (3):

Ambry Genetics
Classification: Uncertain significance for Cardiovascular phenotype. Last evaluated: 2025-08-31. Review status: criteria provided, single submitter. Criteria: Ambry Variant Classification Scheme 2023. Collection method: clinical testing. Allele origin: germline.
Comment: The p.R2621P variant (also known as c.7862G>C), located in coding exon 47 of the FLNC gene, results from a G to C substitution at nucleotide position 7862. The arginine at codon 2621 is replaced by proline, an amino acid with dissimilar properties. This amino acid position is conserved. In addition, this alteration is predicted to be tolerated by in silico analysis. Based on the available evidence, the clinical significance of this variant remains unclear.

Women's Health and Genetics/Laboratory Corporation of America, LabCorp
Classification: Uncertain significance. Last evaluated: 2024-11-18. Review status: criteria provided, single submitter. Criteria: LabCorp Variant Classification Summary - May 2015. Collection method: clinical testing. Allele origin: germline.
Comment: Variant summary: FLNC c.7862G>C (p.Arg2621Pro) results in a non-conservative amino acid change in the encoded protein sequence. Four of five in-silico tools predict a benign effect of the variant on protein function. The variant was absent in 247954 control chromosomes. The available data on variant occurrences in the general population are insufficient to allow any conclusion about variant significance. To our knowledge, no occurrence of c.7862G>C in individuals affected with Dilated Cardiomyopathy and no experimental evidence demonstrating its impact on protein function have been reported. No submitters have cited clinical-significance assessments for this variant to ClinVar. Based on the evidence outlined above, the variant was classified as uncertain significance.

Labcorp Genetics (formerly Invitae), Labcorp
Classification: Uncertain significance for Distal myopathy with posterior leg and anterior hand involvement; Myofibrillar myopathy 5; Hypertrophic cardiomyopathy 26. Last evaluated: 2024-09-28. Review status: criteria provided, single submitter. Criteria: Invitae Variant Classification Sherloc (09022015). Collection method: clinical testing. Allele origin: germline.
Comment: This sequence change replaces arginine, which is basic and polar, with proline, which is neutral and non-polar, at codon 2621 of the FLNC protein (p.Arg2621Pro). This variant is not present in population databases (gnomAD no frequency). This variant has not been reported in the literature in individuals affected with FLNC-related conditions. An algorithm developed to predict the effect of missense changes on protein structure and function (PolyPhen-2) suggests that this variant¬¨‚Ä†is likely to be tolerated. In summary, the available evidence is currently insufficient to determine the role of this variant in disease. Therefore, it has been classified as a Variant of Uncertain Significance.